The following is an entry in ClinVar:

NM_016148.5(SHANK1):c.5324G>T (p.Gly1775Val)

Gene: SHANK1 (SH3 and multiple ankyrin repeat domains 1; minus strand). Cytogenetic location: 19q13.33.
Variant type: single nucleotide variant.
Coding change: c.5324G>T on transcript NM_016148.5 (MANE Select); coding-DNA position 5324, G replaced by T.
Protein change: p.Gly1775Val; replaces glycine 1775 with valine.
Molecular consequence: missense variant.
Genome position (GRCh38, 1-based): chr19:50,666,636, C>A on the plus strand (G>T on the coding strand, the complement: SHANK1 is on the minus strand). VCF-style: chr19-50666636-C-A. GRCh37 (hg19) VCF-style: chr19-51169893-C-A.
Other names: short protein forms G1775V.
Identifiers: ClinVar variation 2672181 (VCV002672181.1), dbSNP rs778008128, ClinGen allele CA9601047.

ClinVar aggregate classification (germline): Uncertain significance (1 of 4 stars; one submission).

Allele frequency attached by ClinVar (database versions not stated): ExAC 0.00006.

Submission:

Clinical Genomics Laboratory, Washington University in St. Louis
Classification: Uncertain significance. Last evaluated: 2023-10-31. Review status: criteria provided, single submitter. Criteria: ACMG Guidelines, 2015. Collection method: clinical testing. Allele origin: germline.
Comment: The SHANK1 c.5324G>T (p.Gly1775Val) variant, to our knowledge, has not been reported in the medical literature. This variant is only observed on 6/203,746 alleles in the general population (gnomAD v.2.1.1), indicating it is not a common variant. Computational predictors suggest that the variant does not impact SHANK1 function. Due to limited information, the clinical significance of this variant is uncertain.